The following is an entry in ClinVar:

ClinVar aggregate classification (germline): Pathogenic/Likely pathogenic. Review status: criteria provided, multiple submitters, no conflicts (2 of 4 stars). 4 submissions from 4 submitters: Pathogenic (1); Likely pathogenic (3). Last evaluated 2024-12-13.

Conditions:
Galactosemia. Also called: Galactose intolerance. Identifiers: Orphanet 352, MedGen C0016952, MONDO:0018116, HP:0004919. Disease mechanism: loss of function.
Deficiency of UDPglucose-hexose-1-phosphate uridylyltransferase. Also called: Galactosemia, classic; GALACTOSEMIA I; GALT deficiency; GALACTOSE-1-PHOSPHATE URIDYLYLTRANSFERASE DEFICIENCY; Transferase Deficiency Galactosemia. Identifiers: Orphanet 352, Orphanet 79239, MedGen C0268151, MONDO:0009258, OMIM 230400.

Allele frequency attached by ClinVar (database versions not stated): ExAC 0.00002; gnomAD exomes 0.00001 and 0.00002.
gnomAD v4.1: 9 of 1,613,126 alleles (0.00056%); highest among the groups gnomAD compares: South Asian, 0.0099%; no homozygotes.

Submissions (4):

Women's Health and Genetics/Laboratory Corporation of America, LabCorp
Classification: Likely pathogenic for Deficiency of UDPglucose-hexose-1-phosphate uridylyltransferase. Last evaluated: 2024-12-13. Review status: criteria provided, single submitter. Criteria: LabCorp Variant Classification Summary - May 2015. Collection method: clinical testing. Allele origin: germline.
Comment: Variant summary: GALT c.688-2A>C is located in a canonical splice-site and is predicted to affect mRNA splicing resulting in a significantly altered protein due to either exon skipping, shortening, or inclusion of intronic material. Variants that disrupt the consensus splice site are a relatively common cause of aberrant splicing and loss of GALT function. Several computational tools predict a significant impact on normal splicing: Four predict the variant abolishes a 3' acceptor site. However, these predictions have yet to be confirmed by functional studies. The variant allele was found at a frequency of 2e-05 in 250424 control chromosomes. To our knowledge, no occurrence of c.688-2A>C in individuals affected with Galactosemia and no experimental evidence demonstrating its impact on protein function have been reported. ClinVar contains an entry for this variant (Variation ID: 92521). Based on the evidence outlined above, the variant was classified as likely pathogenic.

Natera, Inc.
Classification: Likely pathogenic for Galactosemia. Last evaluated: 2024-11-03. Review status: criteria provided, single submitter. Criteria: Natera Variant Classification Schema (03/2026). Collection method: clinical testing. Allele origin: germline.
Comment: The c.688-2A>C variant in GALT is a canonical splice acceptor site variant predicted to affect pre-mRNA splicing, which may result in an abnormal transcript and altered protein product. This variant is expected to result in nonsense mediated decay, truncation, or a dysfunctional protein product. This variant is rare in the general population with a frequency below the threshold expected for the associated phenotype(s). Given the available evidence, this variant is classified as Likely Pathogenic.

Labcorp Genetics (formerly Invitae), Labcorp
Classification: Likely pathogenic for Deficiency of UDPglucose-hexose-1-phosphate uridylyltransferase. Last evaluated: 2023-03-26. Review status: criteria provided, single submitter. Criteria: Invitae Variant Classification Sherloc (09022015). Collection method: clinical testing. Allele origin: germline.
Comment: In summary, the currently available evidence indicates that the variant is pathogenic, but additional data are needed to prove that conclusively. Therefore, this variant has been classified as Likely Pathogenic. Algorithms developed to predict the effect of sequence changes on RNA splicing suggest that this variant may disrupt the consensus splice site. ClinVar contains an entry for this variant (Variation ID: 92521). This variant has not been reported in the literature in individuals affected with GALT-related conditions. This variant is present in population databases (rs398123185, gnomAD 0.02%). This sequence change affects an acceptor splice site in intron 7 of the GALT gene. It is expected to disrupt RNA splicing. Variants that disrupt the donor or acceptor splice site typically lead to a loss of protein function (PMID: 16199547), and loss-of-function variants in GALT are known to be pathogenic (PMID: 22944367).

Eurofins Ntd Llc (ga)
Classification: Pathogenic. Last evaluated: 2012-11-01. Review status: criteria provided, single submitter. Criteria: EGL Classification Definitions 2015. Collection method: clinical testing. Allele origin: germline. Observed: 2 variant alleles, 2 homozygotes.

Literature cited by the submitters: PubMed 16199547 (cited by Labcorp Genetics (formerly Invitae), Labcorp); PubMed 22944367 (cited by Labcorp Genetics (formerly Invitae), Labcorp).

NM_000155.4(GALT):c.688-2A>C

Gene: GALT (galactose-1-phosphate uridylyltransferase; plus strand). Cytogenetic location: 9p13.3.
Variant type: single nucleotide variant.
Coding change: c.688-2A>C on transcript NM_000155.4 (MANE Select); the canonical splice acceptor site of the intron before coding-DNA position 688, A replaced by C.
Molecular consequence: splice acceptor variant.
Genome position (GRCh38, 1-based): chr9:34,648,760, A>C. VCF-style: chr9-34648760-A-C. GRCh37 (hg19) VCF-style: chr9-34648757-A-C.
Other names: c.361-2A>C (NM_001258332.2).
Identifiers: ClinVar variation 92521 (VCV000092521.12), dbSNP rs398123185, ClinGen allele CA266763.